The following is an entry in ClinVar:

NM_000264.5(PTCH1):c.1068-5T>C

Gene: PTCH1 (patched 1; minus strand). Cytogenetic location: 9q22.32.
Variant type: single nucleotide variant.
Coding change: c.1068-5T>C on transcript NM_000264.5 (MANE Select); 5 bases into the intron before coding-DNA position 1068, T replaced by C.
Molecular consequence: intron variant.
Genome position (GRCh38, 1-based): chr9:95,479,152, A>G on the plus strand (T>C on the coding strand, the complement: PTCH1 is on the minus strand). VCF-style: chr9-95479152-A-G. GRCh37 (hg19) VCF-style: chr9-98241434-A-G.
Other names: c.1065-5T>C (NM_001083603.3); c.870-5T>C (NM_001083602.3); c.1068-5T>C (NM_001354918.2); c.615-5T>C (NM_001083605.3, NM_001083604.3, NM_001083606.3 and 1 more transcripts).
Identifiers: ClinVar variation 4826363 (VCV004826363.1).

ClinVar aggregate classification (germline): Uncertain significance (1 of 4 stars; one submission).

Conditions:
Hereditary cancer-predisposing syndrome. Also called: Neoplastic Syndromes, Hereditary; Tumor predisposition; Hereditary Cancer Syndrome; Hereditary neoplastic syndrome. Identifiers: Orphanet 140162, MedGen C0027672, MeSH D009386, MONDO:0015356.

gnomAD v4.1: 1 of 1,614,134 alleles (0.000062%); highest among the groups gnomAD compares: Middle Eastern, 0.017%; no homozygotes.

Submission:

Ambry Genetics
Classification: Uncertain significance for Hereditary cancer-predisposing syndrome. Last evaluated: 2026-03-02. Review status: criteria provided, single submitter. Criteria: Ambry Variant Classification Scheme 2023. Collection method: clinical testing. Allele origin: germline.
Comment: The c.1068-5T>C intronic variant results from a T to C substitution 5 nucleotides upstream from coding exon 8 in the PTCH1 gene. This nucleotide position is not well conserved in available vertebrate species. In silico splice site analysis predicts that this alteration will not have any significant effect on splicing. Based on the available evidence, the clinical significance of this variant remains unclear.